The following is an entry in ClinVar:

NM_001323289.2(CDKL5):c.1526C>T (p.Ala509Val)

Gene: CDKL5 (cyclin dependent kinase like 5; plus strand). Cytogenetic location: Xp22.13.
Variant type: single nucleotide variant.
Coding change: c.1526C>T on transcript NM_001323289.2 (MANE Select); coding-DNA position 1526, C replaced by T.
Protein change: p.Ala509Val; replaces alanine 509 with valine.
Molecular consequence: missense variant.
Genome position (GRCh38, 1-based): chrX:18,604,450, C>T. VCF-style: chrX-18604450-C-T. GRCh37 (hg19) VCF-style: chrX-18622570-C-T.
Other names: c.1526C>T, p.Ala509Val (NM_001037343.2, NM_003159.3); short protein forms A509V.
Identifiers: ClinVar variation 385072 (VCV000385072.10), dbSNP rs779325312, ClinGen allele CA10360389.

ClinVar aggregate classification (germline): Benign/Likely benign. Review status: criteria provided, multiple submitters, no conflicts (2 of 4 stars). 3 submissions from 3 submitters: Benign (1); Likely benign (2). Last evaluated 2025-09-23.

Conditions:
Inborn genetic diseases. Identifiers: MedGen C0950123, MeSH D030342.
Developmental and epileptic encephalopathy, 2 (DEE2). Also called: INFANTILE SPASM SYNDROME, X-LINKED 2; CDKL5 deficiency disorder. Identifiers: Orphanet 1934, Orphanet 3451, Orphanet 505652, MedGen C4750718, MONDO:0010396, OMIM 300672.
Angelman syndrome-like. Identifiers: MedGen CN128785.

Allele frequency attached by ClinVar (database versions not stated): ExAC 0.00001; gnomAD exomes 0.00001; gnomAD 0.00003; TOPMed 0.00003.
gnomAD v4.1: 79 of 1,209,614 alleles (0.0065%); highest among the groups gnomAD compares: Non-Finnish European, 0.0084%; no homozygotes.

Submissions (3):

Labcorp Genetics (formerly Invitae), Labcorp
Classification: Benign for Developmental and epileptic encephalopathy, 2; Angelman syndrome-like. Last evaluated: 2025-09-23. Review status: criteria provided, single submitter. Criteria: Invitae Variant Classification Sherloc (09022015). Collection method: clinical testing. Allele origin: germline.

Ambry Genetics
Classification: Likely benign for Inborn genetic diseases. Last evaluated: 2024-11-21. Review status: criteria provided, single submitter. Criteria: Ambry Variant Classification Scheme 2023. Collection method: clinical testing. Allele origin: germline.

GeneDx
Classification: Likely benign. Last evaluated: 2017-12-06. Review status: criteria provided, single submitter. Criteria: GeneDx Variant Classification (06012015). Collection method: clinical testing. Allele origin: germline. Affected: yes.
Comment: This variant is considered likely benign or benign based on one or more of the following criteria: it is a conservative change, it occurs at a poorly conserved position in the protein, it is predicted to be benign by multiple in silico algorithms, and/or has population frequency not consistent with disease.